The following is an entry in ClinVar:

NM_001928.4(CFD):c.32T>G (p.Val11Gly)

Gene: CFD (complement factor D; plus strand). Cytogenetic location: 19p13.3.
Variant type: single nucleotide variant.
Coding change: c.32T>G on transcript NM_001928.4 (MANE Select); coding-DNA position 32, T replaced by G.
Protein change: p.Val11Gly; replaces valine 11 with glycine.
Molecular consequence: missense variant.
Genome position (GRCh38, 1-based): chr19:859,721, T>G. VCF-style: chr19-859721-T-G. GRCh37 (hg19) VCF-style: chr19-859721-T-G.
Other names: c.32T>G, p.Val11Gly (NM_001317335.2); short protein forms V11G.
Identifiers: ClinVar variation 4704928 (VCV004704928.1).

ClinVar aggregate classification (germline): Uncertain significance (1 of 4 stars; one submission).

Submission:

Labcorp Genetics (formerly Invitae), Labcorp
Classification: Uncertain significance. Last evaluated: 2025-03-13. Review status: criteria provided, single submitter. Criteria: Invitae Variant Classification Sherloc (09022015). Collection method: clinical testing. Allele origin: germline.
Comment: This sequence change replaces valine, which is neutral and non-polar, with glycine, which is neutral and non-polar, at codon 11 of the CFD protein (p.Val11Gly). This variant is not present in population databases (gnomAD no frequency). This variant has not been reported in the literature in individuals affected with CFD-related conditions. An algorithm developed to predict the effect of missense changes on protein structure and function (PolyPhen-2) suggests that this variant is likely to be disruptive. In summary, the available evidence is currently insufficient to determine the role of this variant in disease. Therefore, it has been classified as a Variant of Uncertain Significance.